The following is an entry in ClinVar:

NM_022489.4(INF2):c.1435C>A (p.Pro479Thr)

Gene: INF2 (inverted formin 2; plus strand). Cytogenetic location: 14q32.33.
Variant type: single nucleotide variant.
Coding change: c.1435C>A on transcript NM_022489.4 (MANE Select); coding-DNA position 1435, C replaced by A.
Protein change: p.Pro479Thr; replaces proline 479 with threonine.
Molecular consequence: missense variant.
Genome position (GRCh38, 1-based): chr14:104,707,702, C>A. VCF-style: chr14-104707702-C-A. GRCh37 (hg19) VCF-style: chr14-105174039-C-A.
Other names: c.1435C>A, p.Pro479Thr (NM_001031714.4, NM_001426862.1, NM_001426863.1 and 2 more transcripts); short protein forms P479T.
Identifiers: ClinVar variation 2921557 (VCV002921557.3), dbSNP rs2541920472, ClinGen allele CA391217009.

ClinVar aggregate classification (germline): Uncertain significance (1 of 4 stars; one submission).

Conditions:
Charcot-Marie-Tooth disease dominant intermediate E. Also called: CHARCOT-MARIE-TOOTH NEUROPATHY WITH FOCAL SEGMENTAL GLOMERULONEPHRITIS. Identifiers: Orphanet 93114, MedGen C4302667, MONDO:0013758, OMIM 614455.
Focal segmental glomerulosclerosis 5 (FSGS5). Identifiers: Orphanet 656, MedGen C2750475, MONDO:0013191, OMIM 613237.

gnomAD v4.1: 4 of 1,200,800 alleles (0.00033%); highest among the groups gnomAD compares: Non-Finnish European, 0.00035%; no homozygotes.

Submission:

Labcorp Genetics (formerly Invitae), Labcorp
Classification: Uncertain significance for Charcot-Marie-Tooth disease dominant intermediate E; Focal segmental glomerulosclerosis 5. Last evaluated: 2023-12-19. Review status: criteria provided, single submitter. Criteria: Invitae Variant Classification Sherloc (09022015). Collection method: clinical testing. Allele origin: germline.
Comment: This sequence change replaces proline, which is neutral and non-polar, with threonine, which is neutral and polar, at codon 479 of the INF2 protein (p.Pro479Thr). This variant is not present in population databases (gnomAD no frequency). This variant has not been reported in the literature in individuals affected with INF2-related conditions. Advanced modeling of protein sequence and biophysical properties (such as structural, functional, and spatial information, amino acid conservation, physicochemical variation, residue mobility, and thermodynamic stability) has been performed at Invitae for this missense variant, however the output from this modeling did not meet the statistical confidence thresholds required to predict the impact of this variant on INF2 protein function. In summary, the available evidence is currently insufficient to determine the role of this variant in disease. Therefore, it has been classified as a Variant of Uncertain Significance.